The following is an entry in ClinVar:

NC_000005.10:g.(?_112754891)_(112767400_?)dup

Gene: APC (APC regulator of Wnt signaling pathway; plus strand). Cytogenetic location: 5q22.2.
Variant type: Duplication.
Identifiers: ClinVar variation 830510 (VCV000830510.3).

ClinVar aggregate classification (germline): Likely pathogenic. Review status: criteria provided, single submitter (1 of 4 stars). 2 submissions from 1 submitter: Likely pathogenic (1). 1 of the submissions does not count toward it. Last evaluated 2023-10-16.

Conditions:
Familial adenomatous polyposis 1 (FAP1). Also called: POLYPOSIS, ADENOMATOUS INTESTINAL; FAMILIAL ADENOMATOUS POLYPOSIS 1, ATTENUATED. Identifiers: MedGen C2713442, MONDO:0021056, OMIM 175100. Disease mechanism: loss of function.

Submissions (2):

Labcorp Genetics (formerly Invitae), Labcorp
Classification: Likely pathogenic for Familial adenomatous polyposis 1. Last evaluated: 2023-10-16. Review status: criteria provided, single submitter. Criteria: Invitae Variant Classification Sherloc (09022015). Collection method: clinical testing. Allele origin: germline.
Comment: This variant results in a copy number gain of the genomic region encompassing exon(s) 2-4 of the APC gene. While the exact position of this variant cannot be determined from the data, sub-genic copy number gains are generally in tandem (PMID: 25640679). This variant is predicted to be out-of-frame, and may result in an absent or disrupted protein product. Loss-of-function variants in APC are known to be pathogenic (PMID: 17963004, 20685668). A similar copy number variant has been observed in individual(s) with clinical features of familial adenomatous polyposis (Invitae). In summary, the currently available evidence indicates that the variant is pathogenic, but additional data are needed to prove that conclusively. Therefore, this variant has been classified as Likely Pathogenic.

Labcorp Genetics (formerly Invitae), Labcorp
Classification: Likely pathogenic for Familial adenomatous polyposis 1. Last evaluated: 2020-01-13. Review status: flagged submission. Criteria: Invitae Variant Classification Sherloc (09022015). Collection method: clinical testing. Allele origin: germline. Not counted in ClinVar's aggregate classification.
Comment: This variant results in a copy number gain of the genomic region encompassing exons 2-4 of the APC gene. While the exact position of this variant cannot be determined from this data, sub-genic copy number gains are generally in tandem (PMID: 25640679) and may result in an absent or disrupted protein product. Loss-of-function variants in APC are known to be pathogenic (PMID: 17963004, 20685668). In summary, the currently available evidence indicates that the variant is pathogenic, but additional data are needed to prove that conclusively. Therefore, this variant has been classified as Likely Pathogenic.
ClinVar note: Reason: This record appears to be redundant with a more recent record from the same submitter.
ClinVar note: Notes: SCV001194443 appears to be redundant with SCV002272685.

Literature cited by the submitters: PubMed 25640679; PubMed 17963004; PubMed 20685668.